The following is an entry in ClinVar:

NM_000051.4(ATM):c.6011T>G (p.Leu2004Arg)

Genes: ATM (ATM serine/threonine kinase; plus strand), C11orf65 (chromosome 11 open reading frame 65; minus strand). Cytogenetic location: 11q22.3.
Variant type: single nucleotide variant.
Coding change: c.6011T>G on transcript NM_000051.4 (MANE Select); coding-DNA position 6011, T replaced by G.
Protein change: p.Leu2004Arg; replaces leucine 2004 with arginine.
Molecular consequence: missense variant. On other transcripts: intron variant (2).
Genome position (GRCh38, 1-based): chr11:108,315,827, T>G. VCF-style: chr11-108315827-T-G. GRCh37 (hg19) VCF-style: chr11-108186554-T-G.
Other names: c.6011T>G, p.Leu2004Arg (NM_001351834.2); c.641-6756A>C (NM_001330368.2); c.*39-6756A>C (NM_001351110.2); short protein forms L2004R.
Identifiers: ClinVar variation 422679 (VCV000422679.17), dbSNP rs1064795932, ClinGen allele CA16619206.

ClinVar aggregate classification (germline): Uncertain significance. Review status: criteria provided, multiple submitters, no conflicts (2 of 4 stars). 3 submissions from 3 submitters: Uncertain significance (3). Last evaluated 2024-07-15.

Conditions:
Hereditary cancer-predisposing syndrome. Also called: Neoplastic Syndromes, Hereditary; Hereditary Cancer Syndrome; Tumor predisposition; Hereditary neoplastic syndrome. Identifiers: Orphanet 140162, MedGen C0027672, MeSH D009386, MONDO:0015356.
Ataxia-telangiectasia syndrome (AT). Also called: LOUIS-BAR SYNDROME; Cerebello-oculocutaneous telangiectasia; Immunodeficiency with ataxia telangiectasia; Ataxia-telangiectasia, complementation group D; AT, COMPLEMENTATION GROUP C; Ataxia-telangiectasia, complementation group E. Identifiers: Orphanet 100, MedGen C0004135, MONDO:0008840, OMIM 208900.

Submissions (3):

Ambry Genetics
Classification: Uncertain significance for Hereditary cancer-predisposing syndrome. Last evaluated: 2024-07-15. Review status: criteria provided, single submitter. Criteria: Ambry Variant Classification Scheme 2023. Collection method: clinical testing. Allele origin: germline.
Comment: The p.L2004R variant (also known as c.6011T>G), located in coding exon 40 of the ATM gene, results from a T to G substitution at nucleotide position 6011. The leucine at codon 2004 is replaced by arginine, an amino acid with dissimilar properties. This amino acid position is highly conserved in available vertebrate species. In addition, the in silico prediction for this alteration is inconclusive. Based on the available evidence, the clinical significance of this variant remains unclear.

GeneDx
Classification: Uncertain significance. Last evaluated: 2021-08-18. Review status: criteria provided, single submitter. Criteria: GeneDx Variant Classification Process June 2021. Collection method: clinical testing. Allele origin: germline. Affected: yes.
Comment: Not observed at significant frequency in large population cohorts (Lek 2016); In silico analysis supports that this missense variant has a deleterious effect on protein structure/function; Has not been previously published as pathogenic or benign to our knowledge; This variant is associated with the following publications: (PMID: 23532176)

Labcorp Genetics (formerly Invitae), Labcorp
Classification: Uncertain significance for Ataxia-telangiectasia syndrome. Last evaluated: 2021-02-01. Review status: criteria provided, single submitter. Criteria: Invitae Variant Classification Sherloc (09022015). Collection method: clinical testing. Allele origin: germline.
Comment: In summary, the available evidence is currently insufficient to determine the role of this variant in disease. Therefore, it has been classified as a Variant of Uncertain Significance. This sequence change replaces leucine with arginine at codon 2004 of the ATM protein (p.Leu2004Arg). The leucine residue is highly conserved and there is a moderate physicochemical difference between leucine and arginine. This variant is not present in population databases (ExAC no frequency). This variant has not been reported in the literature in individuals with ATM-related conditions. ClinVar contains an entry for this variant (Variation ID: 422679). Advanced modeling of protein sequence and biophysical properties (such as structural, functional, and spatial information, amino acid conservation, physicochemical variation, residue mobility, and thermodynamic stability) performed at Invitae indicates that this missense variant is not expected to disrupt ATM protein function.